The following is an entry in ClinVar:

ClinVar aggregate classification (germline): Likely benign. Review status: criteria provided, single submitter (1 of 4 stars). 2 submissions from 2 submitters: Likely benign (1). 1 of the submissions does not count toward it. Last evaluated 2019-12-07.

Conditions:
SMOKING AS A QUANTITATIVE TRAIT LOCUS 3 (SQTL3). Identifiers: MedGen C3150168, OMIM 612052.

Allele frequency attached by ClinVar (database versions not stated): gnomAD exomes 0.00009 and 0.00012; gnomAD 0.00010; ExAC 0.00014; ESP Exome Variant Server 0.00015; 1000 Genomes Project 30x 0.00016.

Submissions (2):

Labcorp Genetics (formerly Invitae), Labcorp
Classification: Likely benign. Last evaluated: 2019-12-07. Review status: criteria provided, single submitter. Criteria: Invitae Variant Classification Sherloc (09022015). Collection method: clinical testing. Allele origin: germline.

Department of Pathology and Laboratory Medicine, Sinai Health System
Classification: Uncertain significance for SMOKING AS A QUANTITATIVE TRAIT LOCUS 3. Review status: no assertion criteria provided. Collection method: clinical testing. Allele origin: unknown. Affected: yes. Study: The Canadian Open Genetics Repository (COGR). Not counted in ClinVar's aggregate classification.
Comment: The CHRNA5 p.P238L variant was not identified in the literature nor was it identified in ClinVar. The variant was identified in dbSNP (ID: rs61742337) and in control databases in 25 of 282550 chromosomes at a frequency of 0.00008848, and was observed at the highest frequency in the European (non-Finnish) population in 24 of 128882 chromosomes (freq: 0.0001862) (Genome Aggregation Database March 6, 2019, v2.1.1). Â¬â€ The p.P238 residue is conserved in mammals and computational analyses (MUT Assesor, PolyPhen-2, SIFT, MutationTaster, Revel, FATHMM, MetaLR, DANN) suggest that the variant may impact the protein; however, this information is not predictive enough to assume pathogenicity. The variant occurs outside of the splicing consensus sequence and in silico or computational prediction software programs (Splice AI exome) do not predict a difference in splicing. In summary, based on the above information the clinical significance of this variant cannot be determined with certainty at this time. This variant is classified as a variant of uncertain significance.

NM_000745.4(CHRNA5):c.713C>T (p.Pro238Leu)

Gene: CHRNA5 (cholinergic receptor nicotinic alpha 5 subunit; plus strand). Cytogenetic location: 15q25.1.
Variant type: single nucleotide variant.
Coding change: c.713C>T on transcript NM_000745.4 (MANE Select); coding-DNA position 713, C replaced by T.
Protein change: p.Pro238Leu; replaces proline 238 with leucine.
Molecular consequence: missense variant. On other transcripts: intron variant (4).
Genome position (GRCh38, 1-based): chr15:78,590,104, C>T. VCF-style: chr15-78590104-C-T. GRCh37 (hg19) VCF-style: chr15-78882446-C-T.
Other names: c.713C>T, p.Pro238Leu (NM_001395171.1, NM_001395173.1); c.707+6C>T (NM_001395174.1); c.591+122C>T (NM_001395172.1); c.458+255C>T (NM_001307945.2); c.455+255C>T (NM_001395175.1); short protein forms P238L.
Identifiers: ClinVar variation 1050664 (VCV001050664.7), dbSNP rs61742337, ClinGen allele CA7684067.
Genomic context (GRCh38, chr15:78,590,104, plus strand): 5'-GGGAGATTGTGAGTGCAACAGGGAGCAAAGGAAACAGAACCGACAGCTGTTGCTGGTATC[C>T]GTATGTCACTTACTCATTTGTAATCAAGCGCCTGCCTCTCTTTTATACCTTGTTCCTTAT-3'
Protein context (NP_000736.2, residues 228-248): GNRTDSCCWY[Pro238Leu]YVTYSFVIKR